The following is an entry in ClinVar:

ClinVar aggregate classification (germline): Uncertain significance (1 of 4 stars; one submission).

Allele frequency attached by ClinVar (database versions not stated): gnomAD exomes 0.00001; ExAC 0.00002.

Submission:

Labcorp Genetics (formerly Invitae), Labcorp
Classification: Uncertain significance. Last evaluated: 2022-05-10. Review status: criteria provided, single submitter. Criteria: Invitae Variant Classification Sherloc (09022015). Collection method: clinical testing. Allele origin: germline.
Comment: In summary, the available evidence is currently insufficient to determine the role of this variant in disease. Therefore, it has been classified as a Variant of Uncertain Significance. Algorithms developed to predict the effect of missense changes on protein structure and function (SIFT, PolyPhen-2, Align-GVGD) all suggest that this variant is likely to be tolerated. This variant has not been reported in the literature in individuals affected with TAOK2-related conditions. This variant is present in population databases (rs754752396, gnomAD 0.0009%). This sequence change replaces methionine, which is neutral and non-polar, with valine, which is neutral and non-polar, at codon 788 of the TAOK2 protein (p.Met788Val).

NM_016151.4(TAOK2):c.2362A>G (p.Met788Val)

Gene: TAOK2 (TAO kinase 2; plus strand). Cytogenetic location: 16p11.2.
Variant type: single nucleotide variant.
Coding change: c.2362A>G on transcript NM_016151.4 (MANE Select); coding-DNA position 2362, A replaced by G.
Protein change: p.Met788Val; replaces methionine 788 with valine.
Molecular consequence: missense variant. On other transcripts: intron variant (2).
Genome position (GRCh38, 1-based): chr16:29,986,634, A>G. VCF-style: chr16-29986634-A-G. GRCh37 (hg19) VCF-style: chr16-29997955-A-G.
Other names: c.2232+130A>G (NM_004783.4, NM_001252043.2); short protein forms M788V.
Identifiers: ClinVar variation 2191884 (VCV002191884.4), dbSNP rs754752396, ClinGen allele CA7998370.